The following is an entry in ClinVar:

ClinVar aggregate classification (germline): Likely benign (0 of 4 stars; one submission).

Conditions:
HEY1-related disorder. Also called: HEY1-related condition.

Allele frequency attached by ClinVar (database versions not stated): ExAC 0.00014; 1000 Genomes Project 30x 0.00016; gnomAD 0.00016; 1000 Genomes Project 0.00020.

Submission:

PreventionGenetics, part of Exact Sciences
Classification: Likely benign for HEY1-related condition. Last evaluated: 2020-04-29. Review status: no assertion criteria provided. Collection method: clinical testing. Allele origin: germline.
Comment: This variant is classified as likely benign based on ACMG/AMP sequence variant interpretation guidelines (Richards et al. 2015 PMID: 25741868, with internal and published modifications).

NM_012258.4(HEY1):c.888T>C (p.Pro296=)

Gene: HEY1 (hes related family bHLH transcription factor with YRPW motif 1; minus strand). Cytogenetic location: 8q21.13.
Variant type: single nucleotide variant.
Coding change: c.888T>C on transcript NM_012258.4 (MANE Select); coding-DNA position 888, T replaced by C.
Protein change: p.Pro296=; no amino-acid change (proline 296 retained).
Molecular consequence: synonymous variant.
Genome position (GRCh38, 1-based): chr8:79,765,215, A>G on the plus strand (T>C on the coding strand, the complement: HEY1 is on the minus strand). VCF-style: chr8-79765215-A-G. GRCh37 (hg19) VCF-style: chr8-80677450-A-G.
Other names: c.900T>C, p.Pro300= (NM_001040708.2); c.618T>C, p.Pro206= (NM_001282851.2).
Identifiers: ClinVar variation 3054059 (VCV003054059.2), dbSNP rs191861249, ClinGen allele CA4789600.